The following is an entry in ClinVar:

NM_001369.3(DNAH5):c.6356T>A (p.Leu2119Ter)

Gene: DNAH5 (dynein axonemal heavy chain 5; minus strand). Cytogenetic location: 5p15.2.
Variant type: single nucleotide variant.
Coding change: c.6356T>A on transcript NM_001369.3 (MANE Select); coding-DNA position 6356, T replaced by A.
Protein change: p.Leu2119Ter; replaces leucine 2119 with a stop codon.
Molecular consequence: nonsense.
Genome position (GRCh38, 1-based): chr5:13,829,598, A>T on the plus strand (T>A on the coding strand, the complement: DNAH5 is on the minus strand). VCF-style: chr5-13829598-A-T. GRCh37 (hg19) VCF-style: chr5-13829707-A-T.
Other names: short protein forms L2119*.
Identifiers: ClinVar variation 2847033 (VCV002847033.3), dbSNP rs2546875919, ClinGen allele CA359200075.
Genomic context (GRCh38, chr5:13,829,598, plus strand): 5'-TTGTAGAGCGTGAAAAACTTCCTGGCCAAAACAACGTTGTCAATGAAGCCACAACTAGCC[A>T]ACTTCACCCTTATGATAATCTGACGGTCAGGCACCATCATGGCCACTGAGCGGAAATTAA-3'

ClinVar aggregate classification (germline): Pathogenic (1 of 4 stars; one submission).

Conditions:
Primary ciliary dyskinesia. Also called: Ciliary dyskinesia. Identifiers: Orphanet 244, MedGen C0008780, MONDO:0016575, HP:0012265.

Submission:

Labcorp Genetics (formerly Invitae), Labcorp
Classification: Pathogenic for Primary ciliary dyskinesia. Last evaluated: 2023-03-18. Review status: criteria provided, single submitter. Criteria: Invitae Variant Classification Sherloc (09022015). Collection method: clinical testing. Allele origin: germline.
Comment: This sequence change creates a premature translational stop signal (p.Leu2119*) in the DNAH5 gene. It is expected to result in an absent or disrupted protein product. Loss-of-function variants in DNAH5 are known to be pathogenic (PMID: 11788826, 16627867). This variant is not present in population databases (gnomAD no frequency). This variant has not been reported in the literature in individuals affected with DNAH5-related conditions. For these reasons, this variant has been classified as Pathogenic.

Literature cited by the submitters: PubMed 11788826; PubMed 16627867.